The following is an entry in ClinVar:

ClinVar aggregate classification (germline): Uncertain significance (1 of 4 stars; one submission).

Submission:

Ambry Genetics
Classification: Uncertain significance. Last evaluated: 2026-01-21. Review status: criteria provided, single submitter. Criteria: Ambry Variant Classification Scheme 2023. Collection method: clinical testing. Allele origin: germline.
Comment: The p.P305S variant (also known as c.913C>T), located in coding exon 7 of the RINT1 gene, results from a C to T substitution at nucleotide position 913. The proline at codon 305 is replaced by serine, an amino acid with similar properties. This amino acid position is conserved. In addition, this alteration is predicted to be deleterious by in silico analysis. Based on the available evidence, the clinical significance of this variant remains unclear.

NM_021930.6(RINT1):c.913C>T (p.Pro305Ser)

Gene: RINT1 (RAD50 interactor 1; plus strand). Cytogenetic location: 7q22.3.
Variant type: single nucleotide variant.
Coding change: c.913C>T on transcript NM_021930.6 (MANE Select); coding-DNA position 913, C replaced by T.
Protein change: p.Pro305Ser; replaces proline 305 with serine.
Molecular consequence: missense variant. On other transcripts: non-coding transcript variant (1), intron variant (1), 5 prime UTR variant (2).
Genome position (GRCh38, 1-based): chr7:105,548,627, C>T. VCF-style: chr7-105548627-C-T. GRCh37 (hg19) VCF-style: chr7-105189074-C-T.
Other names: c.-27-1428C>T (NM_001346603.2); c.679C>T, p.Pro227Ser (NM_001346599.2); c.-107C>T (NM_001346600.2); c.-12C>T (NM_001346601.2); short protein forms P227S, P305S.
Identifiers: ClinVar variation 4844106 (VCV004844106.1).